The following is an entry in ClinVar:

NM_000551.4(VHL):c.341-10G>A

Genes: VHL (von Hippel-Lindau tumor suppressor; plus strand), LOC107303340 (3p25 von Hippel-Lindau tumor suppressor, E3 ubiquitin protein ligase Alu-mediated recombination region; plus strand). Cytogenetic location: 3p25.3.
Variant type: single nucleotide variant.
Coding change: c.341-10G>A on transcript NM_000551.4 (MANE Select); 10 bases into the intron before coding-DNA position 341, G replaced by A.
Molecular consequence: intron variant.
Genome position (GRCh38, 1-based): chr3:10,146,504, G>A. VCF-style: chr3-10146504-G-A. GRCh37 (hg19) VCF-style: chr3-10188188-G-A.
Other names: c.*18-3283G>A (NM_001354723.2); c.341-3283G>A (NM_198156.3).
Identifiers: ClinVar variation 4071095 (VCV004071095.1).

ClinVar aggregate classification (germline): Likely benign (1 of 4 stars; one submission).

Conditions:
Von Hippel-Lindau syndrome (VHLS). Also called: Von Hippel-Lindau; von Hippel–Lindau syndrome; VHL syndrome. Identifiers: Orphanet 892, MedGen C0019562, MONDO:0008667, OMIM 193300. Disease mechanism: loss of function.

gnomAD v4.1: 1 of 1,613,364 alleles (0.000062%); highest among the groups gnomAD compares: Non-Finnish European, 0.000085%; no homozygotes.

Submission:

Myriad Genetics, Inc.
Classification: Likely benign for Von Hippel-Lindau syndrome. Last evaluated: 2025-06-11. Review status: criteria provided, single submitter. Criteria: Myriad Autosomal Dominant, Autosomal Recessive and X-Linked Classification Criteria (2023). Collection method: clinical testing. Allele origin: unknown.
Comment: This variant is considered likely benign. This variant is intronic and is not expected to impact mRNA splicing.